The following is an entry in ClinVar:

ClinVar aggregate classification (germline): Uncertain significance. Review status: criteria provided, multiple submitters, no conflicts (2 of 4 stars). 2 submissions from 2 submitters: Uncertain significance (2). Last evaluated 2025-08-25.

Conditions:
Dystonic disorder. Also called: Dystonia. Identifiers: MedGen C0013421, MONDO:0003441, HP:0001332.

Allele frequency attached by ClinVar (database versions not stated): ExAC 0.00003; gnomAD 0.00009; TOPMed 0.00009; ESP Exome Variant Server 0.00015.
gnomAD v4.1: 20 of 1,534,000 alleles (0.0013%); highest among the groups gnomAD compares: African/African-American, 0.021%; no homozygotes.

Submissions (2):

Ambry Genetics
Classification: Uncertain significance. Last evaluated: 2025-08-25. Review status: criteria provided, single submitter. Criteria: Ambry Variant Classification Scheme 2023. Collection method: clinical testing. Allele origin: germline.

Labcorp Genetics (formerly Invitae), Labcorp
Classification: Uncertain significance for Dystonic disorder. Last evaluated: 2023-07-02. Review status: criteria provided, single submitter. Criteria: Invitae Variant Classification Sherloc (09022015). Collection method: clinical testing. Allele origin: germline.
Comment: In summary, the available evidence is currently insufficient to determine the role of this variant in disease. Therefore, it has been classified as a Variant of Uncertain Significance. An algorithm developed to predict the effect of missense changes on protein structure and function (PolyPhen-2) suggests that this variant is likely to be tolerated. This variant has not been reported in the literature in individuals affected with CIZ1-related conditions. This variant is present in population databases (rs374538783, gnomAD 0.04%), and has an allele count higher than expected for a pathogenic variant. This sequence change replaces asparagine, which is neutral and polar, with lysine, which is basic and polar, at codon 180 of the CIZ1 protein (p.Asn180Lys).

NM_001131016.2(CIZ1):c.540C>G (p.Asn180Lys)

Gene: CIZ1 (CDKN1A interacting zinc finger protein 1; minus strand). Cytogenetic location: 9q34.11.
Variant type: single nucleotide variant.
Coding change: c.540C>G on transcript NM_001131016.2 (MANE Select); coding-DNA position 540, C replaced by G.
Protein change: p.Asn180Lys; replaces asparagine 180 with lysine.
Molecular consequence: missense variant.
Genome position (GRCh38, 1-based): chr9:128,185,595, G>C on the plus strand (C>G on the coding strand, the complement: CIZ1 is on the minus strand). VCF-style: chr9-128185595-G-C. GRCh37 (hg19) VCF-style: chr9-130947874-G-C.
Other names: c.540C>G, p.Asn180Lys (NM_001131015.2, NM_001131017.2, NM_012127.3); c.468C>G, p.Asn156Lys (NM_001131018.2); c.630C>G, p.Asn210Lys (NM_001257975.2); c.237C>G, p.Asn79Lys (NM_001257976.2); c.540C>G (NM_012127.2); short protein forms N210K, N79K, N180K, N156K.
Identifiers: ClinVar variation 2716765 (VCV002716765.4), dbSNP rs374538783, ClinGen allele CA5257563.